The following is an entry in ClinVar:

NM_014639.4(SKIC3):c.1083T>G (p.Ile361Met)

Gene: SKIC3 (SKI3 subunit of superkiller complex; minus strand). Cytogenetic location: 5q15.
Variant type: single nucleotide variant.
Coding change: c.1083T>G on transcript NM_014639.4 (MANE Select); coding-DNA position 1083, T replaced by G.
Protein change: p.Ile361Met; replaces isoleucine 361 with methionine.
Molecular consequence: missense variant.
Genome position (GRCh38, 1-based): chr5:95,528,064, A>C on the plus strand (T>G on the coding strand, the complement: SKIC3 is on the minus strand). VCF-style: chr5-95528064-A-C. GRCh37 (hg19) VCF-style: chr5-94863768-A-C.
Other names: short protein forms I361M.
Identifiers: ClinVar variation 2074856 (VCV002074856.4), dbSNP rs2530778786, ClinGen allele CA360465533.

ClinVar aggregate classification (germline): Uncertain significance (1 of 4 stars; one submission).

Submission:

Labcorp Genetics (formerly Invitae), Labcorp
Classification: Uncertain significance. Last evaluated: 2025-06-09. Review status: criteria provided, single submitter. Criteria: Invitae Variant Classification Sherloc (09022015). Collection method: clinical testing. Allele origin: germline.
Comment: This sequence change replaces isoleucine, which is neutral and non-polar, with methionine, which is neutral and non-polar, at codon 361 of the TTC37 protein (p.Ile361Met). This variant is not present in population databases (gnomAD no frequency). This variant has not been reported in the literature in individuals affected with TTC37-related conditions. ClinVar contains an entry for this variant (Variation ID: 2074856). An algorithm developed to predict the effect of missense changes on protein structure and function (PolyPhen-2) suggests that this variant is likely to be tolerated. In summary, the available evidence is currently insufficient to determine the role of this variant in disease. Therefore, it has been classified as a Variant of Uncertain Significance.